The following is an entry in ClinVar:

ClinVar aggregate classification (germline): Pathogenic (1 of 4 stars; one submission).

Conditions:
Duchenne muscular dystrophy (DMD). Also called: MUSCULAR DYSTROPHY, PSEUDOHYPERTROPHIC PROGRESSIVE, DUCHENNE TYPE; Duchenne Muscular Dystrophy (DMD). Identifiers: Orphanet 98896, MedGen C0013264, MONDO:0010679, OMIM 310200.

Submission:

Labcorp Genetics (formerly Invitae), Labcorp
Classification: Pathogenic for Duchenne muscular dystrophy. Last evaluated: 2021-08-12. Review status: criteria provided, single submitter. Criteria: Invitae Variant Classification Sherloc (09022015). Collection method: clinical testing. Allele origin: germline.
Comment: This variant results in a copy number gain of the genomic region encompassing exon(s) 22-29 of the DMD gene. While the exact position of this variant cannot be determined from the data, sub-genic copy number gains are generally in tandem (PMID: 25640679). This variant is predicted to be out-of-frame, and may result in an absent or disrupted protein product. Loss-of-function variants in DMD are known to be pathogenic (PMID: 16770791, 25007885). A similar copy number variant has been observed in individuals with Duchenne muscular dystrophy (PMID: 15655674, 31081998). For these reasons, this variant has been classified as Pathogenic.

Literature cited by the submitters: PubMed 25640679; PubMed 16770791; PubMed 25007885; PubMed 15655674; PubMed 31081998.

NC_000023.10:g.(?_32456348)_(32490436_?)dup

Gene: DMD (dystrophin; minus strand). Cytogenetic location: Xp21.1.
Variant type: Duplication.
Identifiers: ClinVar variation 1074566 (VCV001074566.7).